The following is an entry in ClinVar:

ClinVar aggregate classification (germline): Uncertain significance (1 of 4 stars; one submission).

Conditions:
Hereditary lymphedema type I (LMPHM1). Also called: Milroy Disease; Nonne-Milroy disease; Congenital hereditary lymphedema; Early onset lymphedema; Hereditary lymphedema 1; Primary congenital lymphedema. Identifiers: Orphanet 79452, MedGen C1704423, MONDO:0007919, OMIM 153100.

gnomAD v4.1: 33 of 1,611,180 alleles (0.002%); highest among the groups gnomAD compares: Non-Finnish European, 0.0026%; no homozygotes.

Submission:

Clinical Genomics Laboratory, Washington University in St. Louis
Classification: Uncertain significance for Hereditary lymphedema type I. Last evaluated: 2025-02-11. Review status: criteria provided, single submitter. Criteria: ACMG Guidelines, 2015. Collection method: clinical testing. Allele origin: germline.
Comment: A FLT4 c.1882G>C (p.Ala628Pro) variant was identified at a heterozygous allelic fraction of 50.2%, a frequency which may be consistent with it being of germline origin. This variant has been reported in a germline state in a patient with non-small cell lung cancer (Hao C et al., PMID: 25444907). This variant is observed on 33/1,611,180 alleles in the general population (gnomAD v4.1.0). Computational predictors suggest that the variant does not impact FLT4 function. Due to limited information, and based on ACMG/AMP guidelines for variant interpretation (Richards S et al., PMID: 25741868), the clinical significance of the FLT4 c.1882G>C (p.Ala628Pro) variant is uncertain at this time.

NM_182925.5(FLT4):c.1882G>C (p.Ala628Pro)

Gene: FLT4 (fms related receptor tyrosine kinase 4; minus strand). Cytogenetic location: 5q35.3.
Variant type: single nucleotide variant.
Coding change: c.1882G>C on transcript NM_182925.5 (MANE Select); coding-DNA position 1882, G replaced by C.
Protein change: p.Ala628Pro; replaces alanine 628 with proline.
Molecular consequence: missense variant.
Genome position (GRCh38, 1-based): chr5:180,621,680, C>G on the plus strand (G>C on the coding strand, the complement: FLT4 is on the minus strand). VCF-style: chr5-180621680-C-G. GRCh37 (hg19) VCF-style: chr5-180048680-C-G.
Other names: c.1882G>C, p.Ala628Pro (NM_001354989.2, NM_002020.5); short protein forms A628P.
Identifiers: ClinVar variation 4279934 (VCV004279934.1).